The following is an entry in ClinVar:

NM_000782.5(CYP24A1):c.1236A>G (p.Gly412=)

Gene: CYP24A1 (cytochrome P450 family 24 subfamily A member 1; minus strand). Cytogenetic location: 20q13.2.
Variant type: single nucleotide variant.
Coding change: c.1236A>G on transcript NM_000782.5 (MANE Select); coding-DNA position 1236, A replaced by G.
Protein change: p.Gly412=; no amino-acid change (glycine 412 retained).
Molecular consequence: synonymous variant.
Genome position (GRCh38, 1-based): chr20:54,158,086, T>C on the plus strand (A>G on the coding strand, the complement: CYP24A1 is on the minus strand). VCF-style: chr20-54158086-T-C. GRCh37 (hg19) VCF-style: chr20-52774625-T-C.
Other names: c.1236A>G, p.Gly412= (NM_001128915.2, NM_001424340.1, NM_001424341.1 and 2 more transcripts).
Identifiers: ClinVar variation 2652421 (VCV002652421.24), dbSNP rs2092636072, ClinGen allele CA510911035.

ClinVar aggregate classification (germline): Likely benign (1 of 4 stars; one submission).

Allele frequency attached by ClinVar (database versions not stated): gnomAD exomes below 0.00001.
gnomAD v4.1: 2 of 1,613,816 alleles (0.00012%); highest among the groups gnomAD compares: South Asian, 0.0011%; no homozygotes.

Submission:

CeGaT Center for Human Genetics Tuebingen
Classification: Likely benign. Last evaluated: 2023-04-01. Review status: criteria provided, single submitter. Criteria: CeGaT Center For Human Genetics Tuebingen Variant Classification Criteria Version 2. Collection method: clinical testing. Allele origin: germline. Affected: yes. Observed: 1 variant allele.
Comment: CYP24A1: PM2:Supporting, BP4, BP7